The following is an entry in ClinVar:

NM_206933.4(USH2A):c.5752G>T (p.Glu1918Ter)

Genes: USH2A (usherin; minus strand), USH2A-AS2 (USH2A antisense RNA 2; plus strand). Cytogenetic location: 1q41.
Variant type: single nucleotide variant.
Coding change: c.5752G>T on transcript NM_206933.4 (MANE Select); coding-DNA position 5752, G replaced by T.
Protein change: p.Glu1918Ter; replaces glutamic acid 1918 with a stop codon.
Molecular consequence: nonsense.
Genome position (GRCh38, 1-based): chr1:216,073,121, C>A on the plus strand (G>T on the coding strand, the complement: USH2A is on the minus strand). VCF-style: chr1-216073121-C-A. GRCh37 (hg19) VCF-style: chr1-216246463-C-A.
Other names: short protein forms E1918*.
Identifiers: ClinVar variation 1449973 (VCV001449973.9), dbSNP rs529355834, ClinGen allele CA344854052.

ClinVar aggregate classification (germline): Pathogenic/Likely pathogenic. Review status: criteria provided, multiple submitters, no conflicts (2 of 4 stars). 2 submissions from 2 submitters: Pathogenic (1); Likely pathogenic (1). Last evaluated 2021-10-17.

Conditions:
USH2A-related disorder. Also called: USH2A-related disorders; USH2A-related condition. Identifiers: MedGen CN239332.

gnomAD v4.1: 3 of 1,613,880 alleles (0.00019%); highest among the groups gnomAD compares: Non-Finnish European, 0.00025%; no homozygotes.

Submissions (2):

Blueprint Genetics
Classification: Likely pathogenic for USH2A-related disorders. Last evaluated: 2021-10-17. Review status: criteria provided, single submitter. Criteria: ACMG Guidelines, 2015. Collection method: clinical testing. Allele origin: germline. Affected: yes. Observed: 1 variant allele.

Labcorp Genetics (formerly Invitae), Labcorp
Classification: Pathogenic. Last evaluated: 2020-12-03. Review status: criteria provided, single submitter. Criteria: Invitae Variant Classification Sherloc (09022015). Collection method: clinical testing. Allele origin: germline.
Comment: For these reasons, this variant has been classified as Pathogenic. This variant has been observed in individual(s) with Usher syndrome (external communication). In at least one individual the data is consistent with the variant being in trans (on the opposite chromosome) from a pathogenic variant. This variant is not present in population databases (ExAC no frequency). This sequence change creates a premature translational stop signal (p.Glu1918*) in the USH2A gene. It is expected to result in an absent or disrupted protein product. Loss-of-function variants in USH2A are known to be pathogenic (PMID: 10729113, 10909849, 20507924, 25649381).

Literature cited by the submitters: PubMed 10729113 (cited by Labcorp Genetics (formerly Invitae), Labcorp); PubMed 10909849 (cited by Labcorp Genetics (formerly Invitae), Labcorp); PubMed 20507924 (cited by Labcorp Genetics (formerly Invitae), Labcorp); PubMed 25649381 (cited by Labcorp Genetics (formerly Invitae), Labcorp).